The following is an entry in ClinVar:

NM_001178020.3(BEAN1):c.660C>T (p.Cys220=)

Gene: BEAN1 (brain expressed associated with NEDD4 1; plus strand). Cytogenetic location: 16q21.
Variant type: single nucleotide variant.
Coding change: c.660C>T on transcript NM_001178020.3 (MANE Select); coding-DNA position 660, C replaced by T.
Protein change: p.Cys220=; no amino-acid change (cysteine 220 retained).
Molecular consequence: synonymous variant. On other transcripts: intron variant (1).
Genome position (GRCh38, 1-based): chr16:66,480,805, C>T. VCF-style: chr16-66480805-C-T. GRCh37 (hg19) VCF-style: chr16-66514708-C-T.
Other names: c.333C>T, p.Cys111= (NM_001136106.5); c.114-2073C>T (NM_001197224.4).
Identifiers: ClinVar variation 3052744 (VCV003052744.2), dbSNP rs779019822, ClinGen allele CA282184856.

ClinVar aggregate classification (germline): Likely benign (0 of 4 stars; one submission).

Conditions:
BEAN1-related disorder. Also called: BEAN1-related condition.

Allele frequency attached by ClinVar (database versions not stated): gnomAD 0.00001.
gnomAD v4.1: 11 of 1,544,202 alleles (0.00071%); highest among the groups gnomAD compares: Admixed American, 0.002%; no homozygotes.

Submission:

PreventionGenetics, part of Exact Sciences
Classification: Likely benign for BEAN1-related condition. Last evaluated: 2019-08-16. Review status: no assertion criteria provided. Collection method: clinical testing. Allele origin: germline.
Comment: This variant is classified as likely benign based on ACMG/AMP sequence variant interpretation guidelines (Richards et al. 2015 PMID: 25741868, with internal and published modifications).